The following is an entry in ClinVar:

NM_000061.3(BTK):c.1747T>G (p.Phe583Val)

Gene: BTK (Bruton tyrosine kinase; minus strand). Cytogenetic location: Xq22.1.
Variant type: single nucleotide variant.
Coding change: c.1747T>G on transcript NM_000061.3 (MANE Select); coding-DNA position 1747, T replaced by G.
Protein change: p.Phe583Val; replaces phenylalanine 583 with valine.
Molecular consequence: missense variant.
Genome position (GRCh38, 1-based): chrX:101,353,873, A>C on the plus strand (T>G on the coding strand, the complement: BTK is on the minus strand). VCF-style: chrX-101353873-A-C. GRCh37 (hg19) VCF-style: chrX-100608861-A-C.
Other names: c.1849T>G, p.Phe617Val (NM_001287344.2); c.1219T>G, p.Phe407Val (NM_001287345.2); short protein forms F583V, F407V, F617V.
Identifiers: ClinVar variation 852638 (VCV000852638.1), dbSNP rs1926378381, ClinGen allele CA413919886.

ClinVar aggregate classification (germline): Likely pathogenic (1 of 4 stars; one submission).

Conditions:
X-linked agammaglobulinemia with growth hormone deficiency (IGHD3). Also called: FLEISHER SYNDROME; HYPOGAMMAGLOBULINEMIA AND ISOLATED GROWTH HORMONE DEFICIENCY, X-LINKED; IGHD III; AGAMMAGLOBULINEMIA AND ISOLATED GROWTH HORMONE DEFICIENCY, X-LINKED; Isolated growth hormone deficiency type 3; Growth hormone deficiency with hypogammaglobulinemia. Identifiers: Orphanet 231692, Orphanet 631, MedGen C0472813, MONDO:0010615, OMIM 307200.

Submission:

Labcorp Genetics (formerly Invitae), Labcorp
Classification: Likely pathogenic for X-linked agammaglobulinemia with growth hormone deficiency. Last evaluated: 2019-01-07. Review status: criteria provided, single submitter. Criteria: Invitae Variant Classification Sherloc (09022015). Collection method: clinical testing. Allele origin: germline.
Comment: This sequence change replaces phenylalanine with valine at codon 583 of the BTK protein (p.Phe583Val). The phenylalanine residue is highly conserved and there is a small physicochemical difference between phenylalanine and valine. This variant is not present in population databases (ExAC no frequency). This variant has been observed in several individuals affected with X-linked agammaglobulinemia (PMID: 19419768). Algorithms developed to predict the effect of missense changes on protein structure and function are either unavailable or do not agree on the potential impact of this missense change (SIFT: "Deleterious"; PolyPhen-2: "Probably Damaging"; Align-GVGD: "Class C15"). This variant disrupts the p.Phe583 amino acid residue in BTK. Other variant(s) that disrupt this residue have been observed in individuals with BTK-related conditions (PMID:21039741, 9445504), suggesting that it is a clinically significant residue. As a result, variants that disrupt this residue are likely to be causative of disease. In summary, the currently available evidence indicates that the variant is pathogenic, but additional data are needed to prove that conclusively. Therefore, this variant has been classified as Likely Pathogenic.

Literature cited by the submitters: PubMed 19419768; PubMed 9445504; PubMed 21039741.